The following is an entry in ClinVar:

NM_017547.4(FOXRED1):c.1212G>C (p.Gln404His)

Gene: FOXRED1 (FAD dependent oxidoreductase domain containing 1; plus strand). Cytogenetic location: 11q24.2.
Variant type: single nucleotide variant.
Coding change: c.1212G>C on transcript NM_017547.4 (MANE Select); coding-DNA position 1212, G replaced by C.
Protein change: p.Gln404His; replaces glutamine 404 with histidine.
Molecular consequence: missense variant. On other transcripts: non-coding transcript variant (3), splice acceptor variant (1).
Genome position (GRCh38, 1-based): chr11:126,277,440, G>C. VCF-style: chr11-126277440-G-C. GRCh37 (hg19) VCF-style: chr11-126147335-G-C.
Other names: c.1242G>C, p.Gln414His (NM_001425160.1); c.1212G>C, p.Gln404His (NM_001425161.1); c.1209G>C, p.Gln403His (NM_001425163.1, NM_001425164.1); c.1164G>C, p.Gln388His (NM_001425166.1); c.1110G>C, p.Gln370His (NM_001425167.1); c.702G>C, p.Gln234His (NM_001425168.1, NM_001425169.1, NM_001425170.1); c.651G>C, p.Gln217His (NM_001425171.1, NM_001425172.1); c.579G>C, p.Gln193His (NM_001425173.1, NM_001425174.1); and 2 more; short protein forms Q192H, Q193H, Q217H, Q234H, Q370H, Q388H, Q403H, Q404H.
Identifiers: ClinVar variation 5018042 (VCV005018042.1).

ClinVar aggregate classification (germline): Uncertain significance (1 of 4 stars; one submission).

gnomAD v4.1: 3 of 1,612,950 alleles (0.00019%); highest among the groups gnomAD compares: Non-Finnish European, 0.00025%; no homozygotes.

Submission:

GeneDx
Classification: Uncertain significance. Last evaluated: 2026-04-02. Review status: criteria provided, single submitter. Criteria: GeneDx Variant Classification Process June 2021. Collection method: clinical testing. Allele origin: germline.
Comment: Not observed at significant frequency in large population cohorts (gnomAD); In silico analysis suggests that this missense variant does not alter protein structure/function; Has not been previously published as pathogenic or benign to our knowledge